The following is an entry in ClinVar:

NM_003823.4(TNFRSF6B):c.854T>C (p.Met285Thr)

Genes: RTEL1-TNFRSF6B (RTEL1-TNFRSF6B readthrough (NMD candidate); plus strand), TNFRSF6B (TNF receptor superfamily member 6b; plus strand). Cytogenetic location: 20q13.33.
Variant type: single nucleotide variant.
Coding change: c.854T>C on transcript NM_003823.4 (MANE Select); coding-DNA position 854, T replaced by C.
Protein change: p.Met285Thr; replaces methionine 285 with threonine.
Molecular consequence: missense variant. On other transcripts: non-coding transcript variant (1).
Genome position (GRCh38, 1-based): chr20:63,698,514, T>C. VCF-style: chr20-63698514-T-C. GRCh37 (hg19) VCF-style: chr20-62329867-T-C.
Other names: short protein forms M285T.
Identifiers: ClinVar variation 4718151 (VCV004718151.1).
Genomic context (GRCh38, chr20:63,698,514, plus strand): 5'-TGGGGGCGCAGGACGGGGCGCTGCTGGTGCGGCTGCTGCAGGCGCTGCGCGTGGCCAGGA[T>C]GCCCGGGCTGGAGCGGAGCGTCCGTGAGCGCTTCCTCCCTGTGCACTGATCCTGGCCCCC-3'
Protein context (NP_003814.1, residues 275-295): RLLQALRVAR[Met285Thr]PGLERSVRER

ClinVar aggregate classification (germline): Uncertain significance (1 of 4 stars; one submission).

Submission:

Labcorp Genetics (formerly Invitae), Labcorp
Classification: Uncertain significance. Last evaluated: 2025-08-11. Review status: criteria provided, single submitter. Criteria: Invitae Variant Classification Sherloc (09022015). Collection method: clinical testing. Allele origin: germline.
Comment: This sequence change replaces methionine, which is neutral and non-polar, with threonine, which is neutral and polar, at codon 285 of the TNFRSF6B protein (p.Met285Thr). This variant is not present in population databases (gnomAD no frequency). This variant has not been reported in the literature in individuals affected with TNFRSF6B-related conditions. An algorithm developed to predict the effect of missense changes on protein structure and function (PolyPhen-2) suggests that this variant is likely to be tolerated. In summary, the available evidence is currently insufficient to determine the role of this variant in disease. Therefore, it has been classified as a Variant of Uncertain Significance.